The following is an entry in ClinVar:

ClinVar aggregate classification (germline): Uncertain significance (1 of 4 stars; one submission).

Conditions:
Amyotrophic lateral sclerosis type 21. Also called: VOCAL CORD AND PHARYNGEAL DYSFUNCTION WITH DISTAL MYOPATHY; MYOPATHY, DISTAL, 2. Identifiers: Orphanet 600, Orphanet 803, MedGen C3807521, MONDO:0011632, OMIM 606070.

Allele frequency attached by ClinVar (database versions not stated): ExAC 0.00001; gnomAD 0.00001; gnomAD exomes 0.00001; TOPMed 0.00001.
gnomAD v4.1: 5 of 1,614,094 alleles (0.00031%); highest among the groups gnomAD compares: African/African-American, 0.0013%; no homozygotes.

Submission:

Labcorp Genetics (formerly Invitae), Labcorp
Classification: Uncertain significance for Amyotrophic lateral sclerosis type 21. Last evaluated: 2023-11-22. Review status: criteria provided, single submitter. Criteria: Invitae Variant Classification Sherloc (09022015). Collection method: clinical testing. Allele origin: germline.
Comment: This sequence change replaces lysine, which is basic and polar, with arginine, which is basic and polar, at codon 719 of the MATR3 protein (p.Lys719Arg). This variant is present in population databases (rs772523205, gnomAD 0.0009%). This variant has not been reported in the literature in individuals affected with MATR3-related conditions. Advanced modeling of protein sequence and biophysical properties (such as structural, functional, and spatial information, amino acid conservation, physicochemical variation, residue mobility, and thermodynamic stability) performed at Invitae indicates that this missense variant is not expected to disrupt MATR3 protein function with a negative predictive value of 80%. In summary, the available evidence is currently insufficient to determine the role of this variant in disease. Therefore, it has been classified as a Variant of Uncertain Significance.

NM_018834.6(MATR3):c.2156A>G (p.Lys719Arg)

Gene: MATR3 (matrin 3; plus strand). Cytogenetic location: 5q31.2.
Variant type: single nucleotide variant.
Coding change: c.2156A>G on transcript NM_018834.6 (MANE Select); coding-DNA position 2156, A replaced by G.
Protein change: p.Lys719Arg; replaces lysine 719 with arginine.
Molecular consequence: missense variant.
Genome position (GRCh38, 1-based): chr5:139,325,447, A>G. VCF-style: chr5-139325447-A-G. GRCh37 (hg19) VCF-style: chr5-138661136-A-G.
Other names: c.2156A>G, p.Lys719Arg (NM_001194954.2, NM_001194955.2, NM_001400447.1 and 11 more transcripts); c.1292A>G, p.Lys431Arg (NM_001194956.2); c.1142A>G, p.Lys381Arg (NM_001282278.2, NM_001400462.1, NM_001400463.1 and 4 more transcripts); c.2300A>G, p.Lys767Arg (NM_001400441.1, NM_001400442.1, NM_001400443.1 and 2 more transcripts); c.1295A>G, p.Lys432Arg (NM_001400459.1); c.1286A>G, p.Lys429Arg (NM_001400460.1); c.1256A>G, p.Lys419Arg (NM_001400461.1); short protein forms K431R, K432R, K419R, K719R, K767R, K381R, K429R.
Identifiers: ClinVar variation 2869053 (VCV002869053.3), dbSNP rs772523205, ClinGen allele CA3433376.
Genomic context (GRCh38, chr5:139,325,447, plus strand): 5'-GCATGGCATTTAAATCTGGTGACAAAAATGATGATGGTTTGGTTGAAATTAAGGTGGACA[A>G]GATCGAGGAACTTGATCAAGAAAACGAAGCAGCGTTGGAAAATGGAATTAAAAATGAGGA-3'
Protein context (NP_061322.2, residues 709-729): AAKKKLKKVD[Lys719Arg]IEELDQENEA